The following is an entry in ClinVar:

ClinVar aggregate classification (germline): Uncertain significance. Review status: criteria provided, multiple submitters, no conflicts (2 of 4 stars). 2 submissions from 2 submitters: Uncertain significance (2). Last evaluated 2025-08-01.

Conditions:
Inborn genetic diseases. Identifiers: MedGen C0950123, MeSH D030342.
Short-rib thoracic dysplasia 6 with or without polydactyly (SRTD6). Also called: SHORT-RIB THORACIC DYSPLASIA 6 WITH POLYDACTYLY; SHORT-RIB THORACIC DYSPLASIA 6 WITHOUT POLYDACTYLY; Majewski Syndrome; POLYDACTYLY WITH NEONATAL CHONDRODYSTROPHY, TYPE II; SHORT RIB-POLYDACTYLY SYNDROME, TYPE IIA. Identifiers: MedGen C0024507, MONDO:0009894, OMIM 263520.

Allele frequency attached by ClinVar (database versions not stated): gnomAD exomes below 0.00001; gnomAD 0.00001; TOPMed 0.00003.

Submissions (2):

Labcorp Genetics (formerly Invitae), Labcorp
Classification: Uncertain significance for Short-rib thoracic dysplasia 6 with or without polydactyly. Last evaluated: 2025-08-01. Review status: criteria provided, single submitter. Criteria: Invitae Variant Classification Sherloc (09022015). Collection method: clinical testing. Allele origin: germline.
Comment: This sequence change replaces lysine, which is basic and polar, with arginine, which is basic and polar, at codon 681 of the NEK1 protein (p.Lys681Arg). This variant is not present in population databases (gnomAD no frequency). This variant has not been reported in the literature in individuals affected with NEK1-related conditions. ClinVar contains an entry for this variant (Variation ID: 2073295). Invitae Evidence Modeling of protein sequence and biophysical properties (such as structural, functional, and spatial information, amino acid conservation, physicochemical variation, residue mobility, and thermodynamic stability) indicates that this missense variant is not expected to disrupt NEK1 protein function with a negative predictive value of 80%. In summary, the available evidence is currently insufficient to determine the role of this variant in disease. Therefore, it has been classified as a Variant of Uncertain Significance.

Ambry Genetics
Classification: Uncertain significance for Inborn genetic diseases. Last evaluated: 2024-11-25. Review status: criteria provided, single submitter. Criteria: Ambry Variant Classification Scheme 2023. Collection method: clinical testing. Allele origin: germline.

NM_001199397.3(NEK1):c.2126A>G (p.Lys709Arg)

Gene: NEK1 (NIMA related kinase 1; minus strand). Cytogenetic location: 4q33.
Variant type: single nucleotide variant.
Coding change: c.2126A>G on transcript NM_001199397.3 (MANE Select); coding-DNA position 2126, A replaced by G.
Protein change: p.Lys709Arg; replaces lysine 709 with arginine.
Molecular consequence: missense variant. On other transcripts: non-coding transcript variant (1).
Genome position (GRCh38, 1-based): chr4:169,479,416, T>C on the plus strand (A>G on the coding strand, the complement: NEK1 is on the minus strand). VCF-style: chr4-169479416-T-C. GRCh37 (hg19) VCF-style: chr4-170400567-T-C.
Other names: c.1994A>G, p.Lys665Arg (NM_001199398.3); c.1835A>G, p.Lys612Arg (NM_001199399.3); c.1910A>G, p.Lys637Arg (NM_001199400.3); c.2126A>G, p.Lys709Arg (NM_001374418.1); c.2042A>G, p.Lys681Arg (NM_001374419.1, NM_012224.4); c.1991A>G, p.Lys664Arg (NM_001374420.1); c.1820A>G, p.Lys607Arg (NM_001374421.1); c.2042A>G (NM_012224.2); short protein forms K612R, K709R, K665R, K607R, K637R, K664R, K681R.
Identifiers: ClinVar variation 2073295 (VCV002073295.5), dbSNP rs1047773480, ClinGen allele CA109901584.
Genomic context (GRCh38, chr4:169,479,416, plus strand): 5'-TAAATAATCTTTTGACTTTGAGGAGTTCTGAATCTTAGGAAACTTACCACGCCAACTTCT[T>C]TCAAAGCTGAAGTTACAGAAATAACAGATCTCATCTGTTGCTTTGATGGAGAGCCACCTG-3'
Protein context (NP_001186326.1, residues 699-719): RSVISVTSAL[Lys709Arg]EVGVDSSLTD